The following is an entry in ClinVar:

NM_006468.8(POLR3C):c.1533del (p.Ser512fs)

Gene: POLR3C (RNA polymerase III subunit C; plus strand). Cytogenetic location: 1q21.1.
Variant type: Deletion.
Coding change: c.1533del on transcript NM_006468.8 (MANE Select); coding-DNA position 1533, one base deleted (C; older notation c.1533delC).
Protein change: p.Ser512fs; shifts the reading frame from serine 512.
Molecular consequence: frameshift variant.
Genome position (GRCh38, 1-based): chr1:145,842,348, C deleted; the last of 2 consecutive C bases (chr1:145,842,347-145,842,348); deleting either gives the same sequence. VCF-style (leftmost placement, unchanged base first): chr1-145842346-GC-G. GRCh37 (hg19) VCF-style: chr1-145592761-TG-T.
Other names: c.1572del, p.Ser525fs (NM_001303456.1); c.1572delC (NM_001303456.1); short protein forms S512fs, S525fs.
Identifiers: ClinVar variation 3352733 (VCV003352733.2).

ClinVar aggregate classification (germline): Likely benign. Review status: criteria provided, single submitter (1 of 4 stars). 2 submissions from 2 submitters: Likely benign (1). 1 of the submissions does not count toward it. Last evaluated 2024-11-25.

Conditions:
POLR3C-related disorder. Also called: POLR3C-related condition.

Submissions (2):

Blueprint Genetics
Classification: Likely benign. Last evaluated: 2024-11-25. Review status: criteria provided, single submitter. Criteria: ACMG Guidelines, 2015. Collection method: clinical testing. Allele origin: germline.

PreventionGenetics, part of Exact Sciences
Classification: Uncertain significance for POLR3C-related condition. Last evaluated: 2024-08-13. Review status: no assertion criteria provided. Collection method: clinical testing. Allele origin: germline. Not counted in ClinVar's aggregate classification.
Comment: The POLR3C c.1572delC variant is predicted to result in a frameshift and premature protein termination (p.Ser525Valfs*20). To our knowledge, this variant has not been reported in the literature. This variant is reported in 0.20% of alleles in individuals of European (Non-Finnish) descent in gnomAD. Of note, loss of function variants have not commonly been reported in the POLR3C gene (Human Gene Mutation Database). At this time, the clinical significance of this variant is uncertain due to the absence of conclusive functional and genetic evidence.